The following is an entry in ClinVar:

NM_001042492.3(NF1):c.731-5T>C

Gene: NF1 (neurofibromin 1; plus strand). Cytogenetic location: 17q11.2.
Variant type: single nucleotide variant.
Coding change: c.731-5T>C on transcript NM_001042492.3 (MANE Select); 5 bases into the intron before coding-DNA position 731, T replaced by C.
Molecular consequence: intron variant.
Genome position (GRCh38, 1-based): chr17:31,182,503, T>C. VCF-style: chr17-31182503-T-C. GRCh37 (hg19) VCF-style: chr17-29509521-T-C.
Other names: c.731-5T>C (NM_000267.4, NM_001128147.3).
Identifiers: ClinVar variation 826961 (VCV000826961.12), dbSNP rs1597659721, ClinGen allele CA915949767.

ClinVar aggregate classification (germline): Conflicting classifications of pathogenicity. Review status: criteria provided, conflicting classifications (1 of 4 stars). 2 submissions from 2 submitters: Uncertain significance (1); Likely benign (1). Last evaluated 2023-04-09.

Conditions:
Neurofibromatosis, type 1 (NF1). Also called: Neurofibromatosis, type I; Peripheral type neurofibromatosis; VON RECKLINGHAUSEN DISEASE; NEUROFIBROMATOSIS, TYPE I, SOMATIC. Identifiers: Orphanet 636, MedGen C0027831, MONDO:0018975, OMIM 162200. Disease mechanism: loss of function.
Hereditary cancer-predisposing syndrome. Also called: Neoplastic Syndromes, Hereditary; Hereditary Cancer Syndrome; Hereditary neoplastic syndrome; Tumor predisposition. Identifiers: Orphanet 140162, MedGen C0027672, MeSH D009386, MONDO:0015356.
Cardiovascular phenotype. Identifiers: MedGen CN230736.

Allele frequency attached by ClinVar (database versions not stated): gnomAD 0.00001.
gnomAD v4.1: 1 of 1,613,726 alleles (0.000062%); highest among the groups gnomAD compares: African/African-American, 0.0013%; no homozygotes.

Submissions (2):

Labcorp Genetics (formerly Invitae), Labcorp
Classification: Likely benign for Neurofibromatosis, type 1. Last evaluated: 2023-04-09. Review status: criteria provided, single submitter. Criteria: Invitae Variant Classification Sherloc (09022015). Collection method: clinical testing. Allele origin: germline.

Ambry Genetics
Classification: Uncertain significance for Cardiovascular phenotype; Hereditary cancer-predisposing syndrome. Last evaluated: 2023-01-27. Review status: criteria provided, single submitter. Criteria: Ambry Variant Classification Scheme 2023. Collection method: clinical testing. Allele origin: germline.
Comment: The c.731-5T>C intronic variant results from a T to C substitution 5 nucleotides upstream from coding exon 8 in the NF1 gene. This nucleotide position is poorly conserved in available vertebrate species. In silico splice site analysis predicts that this alteration will not have any significant effect on splicing. Since supporting evidence is limited at this time, the clinical significance of this alteration remains unclear.